The following is an entry in ClinVar:

NM_170707.4(LMNA):c.224C>A (p.Ser75Tyr)

Gene: LMNA (lamin A/C; plus strand). Cytogenetic location: 1q22.
Variant type: single nucleotide variant.
Coding change: c.224C>A on transcript NM_170707.4 (MANE Select); coding-DNA position 224, C replaced by A.
Protein change: p.Ser75Tyr; replaces serine 75 with tyrosine.
Molecular consequence: missense variant.
Genome position (GRCh38, 1-based): chr1:156,115,142, C>A. VCF-style: chr1-156115142-C-A. GRCh37 (hg19) VCF-style: chr1-156084933-C-A.
Other names: c.224C>A, p.Ser75Tyr (NM_001282625.2, NM_001282626.2, NM_001406983.1 and 6 more transcripts); c.-200C>A (NM_001406986.1); c.-178C>A (NM_001406990.1, NM_001406995.1, NM_001407002.1); c.-441C>A (NM_001406994.1, NM_001407000.1); c.-621C>A (NM_001406999.1); c.-284C>A (NM_001407001.1); short protein forms S75Y.
Identifiers: ClinVar variation 1717289 (VCV001717289.5), dbSNP rs879253975, ClinGen allele CA342808325.

ClinVar aggregate classification (germline): Uncertain significance (1 of 4 stars; one submission).

Conditions:
Charcot-Marie-Tooth disease type 2. Also called: Charcot-Marie-Tooth type 2. Identifiers: Orphanet 64746, MedGen C0270914, MONDO:0018993.

Submission:

Labcorp Genetics (formerly Invitae), Labcorp
Classification: Uncertain significance for Charcot-Marie-Tooth disease type 2. Last evaluated: 2022-08-21. Review status: criteria provided, single submitter. Criteria: Invitae Variant Classification Sherloc (09022015). Collection method: clinical testing. Allele origin: germline.
Comment: This variant is not present in population databases (gnomAD no frequency). This variant has not been reported in the literature in individuals affected with LMNA-related conditions. Algorithms developed to predict the effect of missense changes on protein structure and function (SIFT, PolyPhen-2, Align-GVGD) all suggest that this variant is likely to be disruptive. In summary, the available evidence is currently insufficient to determine the role of this variant in disease. Therefore, it has been classified as a Variant of Uncertain Significance. This sequence change replaces serine, which is neutral and polar, with tyrosine, which is neutral and polar, at codon 75 of the LMNA protein (p.Ser75Tyr).